The following is an entry in ClinVar:

NM_152564.5(VPS13B):c.7247+2043_7403del

Genes: VPS13B (vacuolar protein sorting 13 homolog B; plus strand), LOC126860453 (MED14-independent group 3 enhancer GRCh37_chr8:100782591-100783790; plus strand). Cytogenetic location: 8q22.2.
Variant type: Deletion.
Coding change: c.7247+2043_7403del on transcript NM_152564.5 (MANE Select); 2043 bases into the intron after coding-DNA position 7247 through coding-DNA position 7403, 7,918 bases deleted.
Molecular consequence: splice acceptor variant.
Genome position (GRCh38, 1-based): chr8:99,769,013-99,776,930, 7,918 bases deleted. GRCh37 (hg19): chr8:100,781,241-100,789,158.
Other names: c.7322+2043_7478del (NM_017890.5).
Identifiers: ClinVar variation 960681 (VCV000960681.1), ClinGen allele CA1139660679.

ClinVar aggregate classification (germline): Likely pathogenic (1 of 4 stars; one submission).

Conditions:
Cohen syndrome (COH1). Also called: Cutis verticis gyrata, retinitis pigmentosa, and sensorineural deafness; PEPPER SYNDROME. Identifiers: Orphanet 193, MedGen C0265223, MONDO:0008999, OMIM 216550.

Submission:

Labcorp Genetics (formerly Invitae), Labcorp
Classification: Likely pathogenic for Cohen syndrome. Last evaluated: 2019-09-14. Review status: criteria provided, single submitter. Criteria: Invitae Variant Classification Sherloc (09022015). Collection method: clinical testing. Allele origin: germline.
Comment: This variant results in the deletion of part of exon 41 (c.7322+2041_7476del) of the VPS13B gene. It is expected to disrupt RNA splicing and likely results in an absent or disrupted protein product. This variant has not been reported in the literature in individuals with VPS13B-related conditions. Loss-of-function variants in VPS13B are known to be pathogenic (PMID: 15141358, 16648375, 20461111). In summary, the currently available evidence indicates that the variant is pathogenic, but additional data are needed to prove that conclusively. Therefore, this variant has been classified as Likely Pathogenic.